The following is an entry in ClinVar:

ClinVar aggregate classification (germline): Conflicting classifications of pathogenicity. Review status: criteria provided, conflicting classifications (1 of 4 stars). 2 submissions from 2 submitters: Uncertain significance (1); Likely benign (1). Last evaluated 2025-09-01.

Allele frequency attached by ClinVar (database versions not stated): ExAC 0.00035.

Submissions (2):

CeGaT Center for Human Genetics Tuebingen
Classification: Likely benign. Last evaluated: 2025-09-01. Review status: criteria provided, single submitter. Criteria: CeGaT Center For Human Genetics Tuebingen Variant Classification Criteria Version 2. Collection method: clinical testing. Allele origin: germline. Affected: yes. Observed: 2 variant alleles.
Comment: CRIPAK: BP4, BS2

Ambry Genetics
Classification: Uncertain significance. Last evaluated: 2024-06-16. Review status: criteria provided, single submitter. Criteria: Ambry Variant Classification Scheme 2023. Collection method: clinical testing. Allele origin: germline.

NC_000004.12:g.1395055G>A

Genes: CRIPAK (cysteine rich PAK1 inhibitor; plus strand), UVSSA (UV stimulated scaffold protein A; plus strand), LOC126806945 (P300/CBP strongly-dependent group 1 enhancer GRCh37_chr4:1388225-1389424; plus strand). Cytogenetic location: 4p16.3.
Variant type: single nucleotide variant.
Molecular consequence: missense variant (on NM_175918.3).
Genome position: GRCh38 VCF-style: chr4-1395055-G-A. GRCh37 (hg19) VCF-style: chr4-1388843-G-A.
Other names: c.544G>A, p.Val182Met (NM_175918.3); short protein forms V182M.
Identifiers: ClinVar variation 2344865 (VCV002344865.25), dbSNP rs776876941, ClinGen allele CA2806969.